The following is an entry in ClinVar:

ClinVar aggregate classification (germline): Pathogenic/Likely pathogenic. Review status: criteria provided, multiple submitters, no conflicts (2 of 4 stars). 3 submissions from 3 submitters: Pathogenic (2); Likely pathogenic (1). Last evaluated 2026-08-10.

Conditions:
Familial multiple polyposis syndrome (FAP). Also called: Familial adenomatous polyposis; Familial intestinal polyposis; Classic familial adenomatous polyposis; Familial polyposis; Familial Adenomatous Polyposis (FAP). Identifiers: Orphanet 733, MedGen C0032580, MONDO:0021055. Disease mechanism: loss of function.
Familial adenomatous polyposis 1 (FAP1). Also called: FAMILIAL ADENOMATOUS POLYPOSIS 1, ATTENUATED; POLYPOSIS, ADENOMATOUS INTESTINAL. Identifiers: MedGen C2713442, MONDO:0021056, OMIM 175100. Disease mechanism: loss of function.
Hereditary cancer-predisposing syndrome. Also called: Tumor predisposition; Hereditary neoplastic syndrome; Neoplastic Syndromes, Hereditary; Hereditary Cancer Syndrome. Identifiers: Orphanet 140162, MedGen C0027672, MeSH D009386, MONDO:0015356.

Submissions (3):

Ambry Genetics
Classification: Likely pathogenic for Hereditary cancer-predisposing syndrome. Last evaluated: 2026-08-10. Review status: criteria provided, single submitter. Criteria: Ambry Variant Classification Scheme 2023. Collection method: clinical testing. Allele origin: germline.
Comment: The p.Q1701* variant (also known as c.5101C>T), located in coding exon 15 of the APC gene, results from a C to T substitution at nucleotide position 5101. This changes the amino acid from a glutamine to a stop codon within coding exon 15. This variant occurs at the 3' terminus of the gene, is not expected to trigger nonsense-mediated mRNA decay, and impacts the last 40% of the protein. However, premature stop codons are typically deleterious in nature and a significant portion of the protein is affected (Ambry internal data). This variant was reported in individual(s) with features consistent with APC-related familial adenomatous polyposis (Ambry internal data). This variant is considered to be rare based on population cohorts in the Genome Aggregation Database (gnomAD). Based on the majority of available evidence to date, this variant is likely to be pathogenic.

Labcorp Genetics (formerly Invitae), Labcorp
Classification: Pathogenic for Familial adenomatous polyposis 1. Last evaluated: 2019-04-19. Review status: criteria provided, single submitter. Criteria: Invitae Variant Classification Sherloc (09022015). Collection method: clinical testing. Allele origin: germline.
Comment: This variant disrupts the C-terminus of the APC protein. Other variant(s) that disrupt this region (p.Tyr2645Lysfs*14) have been determined to be pathogenic (PMID: 9824584, 1316610, 27081525, 8381579, 22135120, Invitae). This suggests that variants that disrupt this region of the protein are likely to be causative of disease. This variant has not been reported in the literature in individuals with APC-related conditions. This variant is not present in population databases (ExAC no frequency). This sequence change results in a premature translational stop signal in the APC gene (p.Gln1701*). While this is not anticipated to result in nonsense mediated decay, it is expected to disrupt the last 1143 amino acids of the APC protein. For these reasons, this variant has been classified as Pathogenic.

Rady Children's Institute for Genomic Medicine, Rady Children's Hospital San Diego
Classification: Pathogenic for Familial Adenomatous Polyposis. Review status: criteria provided, single submitter. Criteria: ACMG Guidelines, 2015. Collection method: clinical testing. Allele origin: germline. Affected: yes.
Comment: This nonsense variant found in exon 15 of 15 is predicted to result in loss of normal protein function through either protein truncation or nonsense-mediated mRNA decay (NMD). This variant has been previously reported as a somatic variant in colorectal cancer (PMID: 29245953). Multiple loss of function variants downstream of the p.Gln1701Ter variant have been reported in affected individuals in the Human Gene Mutation Database (HGMD). It is absent from the gnomAD population database and thus is presumed to be rare. Based on the available evidence, the c.5101C>T (p.Gln1701Ter) variant is classified as Pathogenic.

Literature cited by the submitters: PubMed 9824584 (cited by Labcorp Genetics (formerly Invitae), Labcorp); PubMed 1316610 (cited by Labcorp Genetics (formerly Invitae), Labcorp); PubMed 27081525 (cited by Labcorp Genetics (formerly Invitae), Labcorp); PubMed 8381579 (cited by Labcorp Genetics (formerly Invitae), Labcorp); PubMed 22135120 (cited by Labcorp Genetics (formerly Invitae), Labcorp).

NM_000038.6(APC):c.5101C>T (p.Gln1701Ter)

Gene: APC (APC regulator of Wnt signaling pathway; plus strand). Cytogenetic location: 5q22.2.
Variant type: single nucleotide variant.
Coding change: c.5101C>T on transcript NM_000038.6 (MANE Select); coding-DNA position 5101, C replaced by T.
Protein change: p.Gln1701Ter; replaces glutamine 1701 with a stop codon.
Molecular consequence: nonsense.
Genome position (GRCh38, 1-based): chr5:112,840,695, C>T. VCF-style: chr5-112840695-C-T. GRCh37 (hg19) VCF-style: chr5-112176392-C-T.
Other names: c.5101C>T, p.Gln1701Ter (NM_001127510.3, NM_001354895.2); c.5047C>T, p.Gln1683Ter (NM_001127511.3); c.5155C>T, p.Gln1719Ter (NM_001354896.2); c.5131C>T, p.Gln1711Ter (NM_001354897.2); c.5026C>T, p.Gln1676Ter (NM_001354898.2); c.5017C>T, p.Gln1673Ter (NM_001354899.2); c.4978C>T, p.Gln1660Ter (NM_001354900.2); c.4924C>T, p.Gln1642Ter (NM_001354901.2); and 5 more; short protein forms Q1610*, Q1660*, Q1683*, Q1541*, Q1575*, Q1600*, Q1676*, Q1711*.
Identifiers: ClinVar variation 853623 (VCV000853623.13), dbSNP rs1561597691, ClinGen allele CA16032484.